The following is an entry in ClinVar:

ClinVar aggregate classification (germline): Uncertain significance. Review status: criteria provided, multiple submitters, no conflicts (2 of 4 stars). 3 submissions from 3 submitters: Uncertain significance (3). Last evaluated 2023-04-11.

Conditions:
Inborn genetic diseases. Identifiers: MedGen C0950123, MeSH D030342.
Developmental and epileptic encephalopathy, 18 (DEE18). Also called: Early infantile epileptic encephalopathy 18. Identifiers: Orphanet 369894, MedGen C3809624, MONDO:0014201, OMIM 615476.

Allele frequency attached by ClinVar (database versions not stated): gnomAD exomes below 0.00001.
gnomAD v4.1: 4 of 1,614,212 alleles (0.00025%); highest among the groups gnomAD compares: African/African-American, 0.0013%; no homozygotes.

Submissions (3):

Genome-Nilou Lab
Classification: Uncertain significance for Developmental and epileptic encephalopathy, 18. Last evaluated: 2023-04-11. Review status: criteria provided, single submitter. Criteria: ACMG Guidelines, 2015. Collection method: clinical testing. Allele origin: germline. Affected: no.

Ambry Genetics
Classification: Uncertain significance for Inborn genetic diseases. Last evaluated: 2023-02-15. Review status: criteria provided, single submitter. Criteria: Ambry Variant Classification Scheme 2023. Collection method: clinical testing. Allele origin: germline.

Labcorp Genetics (formerly Invitae), Labcorp
Classification: Uncertain significance. Last evaluated: 2022-05-30. Review status: criteria provided, single submitter. Criteria: Invitae Variant Classification Sherloc (09022015). Collection method: clinical testing. Allele origin: germline.
Comment: In summary, the available evidence is currently insufficient to determine the role of this variant in disease. Therefore, it has been classified as a Variant of Uncertain Significance. Algorithms developed to predict the effect of missense changes on protein structure and function are either unavailable or do not agree on the potential impact of this missense change (SIFT: "Tolerated"; PolyPhen-2: "Probably Damaging"; Align-GVGD: "Class C0"). This variant has not been reported in the literature in individuals affected with SZT2-related conditions. This variant is not present in population databases (gnomAD no frequency). This sequence change replaces threonine, which is neutral and polar, with serine, which is neutral and polar, at codon 1479 of the SZT2 protein (p.Thr1479Ser).

NM_001365999.1(SZT2):c.4607C>G (p.Thr1536Ser)

Gene: SZT2 (SZT2 subunit of KICSTOR complex; plus strand). Cytogenetic location: 1p34.2.
Variant type: single nucleotide variant.
Coding change: c.4607C>G on transcript NM_001365999.1 (MANE Select); coding-DNA position 4607, C replaced by G.
Protein change: p.Thr1536Ser; replaces threonine 1536 with serine.
Molecular consequence: missense variant.
Genome position (GRCh38, 1-based): chr1:43,430,622, C>G. VCF-style: chr1-43430622-C-G. GRCh37 (hg19) VCF-style: chr1-43896293-C-G.
Other names: c.4436C>G, p.Thr1479Ser (NM_015284.4); c.4436C>G (NM_015284.3); short protein forms T1536S, T1479S.
Identifiers: ClinVar variation 2196910 (VCV002196910.5), dbSNP rs890512275, ClinGen allele CA340022261.